The following is an entry in ClinVar:

ClinVar aggregate classification (germline): Uncertain significance (1 of 4 stars; one submission).

Conditions:
FG syndrome (FGS). Identifiers: MedGen C0220769, MONDO:0002010.

Submission:

Labcorp Genetics (formerly Invitae), Labcorp
Classification: Uncertain significance for FG syndrome. Last evaluated: 2025-09-28. Review status: criteria provided, single submitter. Criteria: Invitae Variant Classification Sherloc (09022015). Collection method: clinical testing. Allele origin: germline.
Comment: This sequence change replaces alanine, which is neutral and non-polar, with serine, which is neutral and polar, at codon 1210 of the MED12 protein (p.Ala1210Ser). This variant is not present in population databases (gnomAD no frequency). This variant has not been reported in the literature in individuals affected with MED12-related conditions. Invitae Evidence Modeling of protein sequence and biophysical properties (such as structural, functional, and spatial information, amino acid conservation, physicochemical variation, residue mobility, and thermodynamic stability) indicates that this missense variant is not expected to disrupt MED12 protein function with a negative predictive value of 95%. In summary, the available evidence is currently insufficient to determine the role of this variant in disease. Therefore, it has been classified as a Variant of Uncertain Significance.

NM_005120.3(MED12):c.3628G>T (p.Ala1210Ser)

Gene: MED12 (mediator complex subunit 12; plus strand). Cytogenetic location: Xq13.1.
Variant type: single nucleotide variant.
Coding change: c.3628G>T on transcript NM_005120.3 (MANE Select); coding-DNA position 3628, G replaced by T.
Protein change: p.Ala1210Ser; replaces alanine 1210 with serine.
Molecular consequence: missense variant.
Genome position (GRCh38, 1-based): chrX:71,129,366, G>T. VCF-style: chrX-71129366-G-T. GRCh37 (hg19) VCF-style: chrX-70349216-G-T.
Other names: short protein forms A1210S.
Identifiers: ClinVar variation 4808264 (VCV004808264.1).